The following is an entry in ClinVar:

ClinVar aggregate classification (germline): Uncertain significance (1 of 4 stars; one submission).

Conditions:
Megaconial type congenital muscular dystrophy (MDCMC). Also called: CHKB-Related Muscle Diseases; MUSCULAR DYSTROPHY, CONGENITAL, WITH MITOCHONDRIAL STRUCTURAL ABNORMALITIES; CHKB-Related Muscular Dystrophy. Identifiers: Orphanet 280671, MedGen C1865233, MONDO:0011246, OMIM 602541.

Allele frequency attached by ClinVar (database versions not stated): gnomAD exomes below 0.00001 and 0.00001; TOPMed 0.00001.

Submission:

Labcorp Genetics (formerly Invitae), Labcorp
Classification: Uncertain significance for Megaconial type congenital muscular dystrophy. Last evaluated: 2020-08-17. Review status: criteria provided, single submitter. Criteria: Invitae Variant Classification Sherloc (09022015). Collection method: clinical testing. Allele origin: germline.
Comment: In summary, the available evidence is currently insufficient to determine the role of this variant in disease. Therefore, it has been classified as a Variant of Uncertain Significance. This sequence change replaces serine with leucine at codon 40 of the CHKB protein (p.Ser40Leu). The serine residue is weakly conserved and there is a large physicochemical difference between serine and leucine. This variant is not present in population databases (ExAC no frequency). This variant has not been reported in the literature in individuals with CHKB-related disease. Algorithms developed to predict the effect of missense changes on protein structure and function are either unavailable or do not agree on the potential impact of this missense change (SIFT: "Deleterious"; PolyPhen-2: "Benign"; Align-GVGD: "Class C0").

NM_005198.5(CHKB):c.119C>T (p.Ser40Leu)

Genes: CHKB (choline kinase beta; minus strand), CHKB-CPT1B (CHKB-CPT1B readthrough (NMD candidate); minus strand). Cytogenetic location: 22q13.33.
Variant type: single nucleotide variant.
Coding change: c.119C>T on transcript NM_005198.5 (MANE Select); coding-DNA position 119, C replaced by T.
Protein change: p.Ser40Leu; replaces serine 40 with leucine.
Molecular consequence: missense variant. On other transcripts: non-coding transcript variant (1).
Genome position (GRCh38, 1-based): chr22:50,582,663, G>A on the plus strand (C>T on the coding strand, the complement: CHKB is on the minus strand). VCF-style: chr22-50582663-G-A. GRCh37 (hg19) VCF-style: chr22-51021092-G-A.
Other names: short protein forms S40L.
Identifiers: ClinVar variation 582032 (VCV000582032.8), dbSNP rs1011397890, ClinGen allele CA325540904.